The following is an entry in ClinVar:

ClinVar aggregate classification (germline): Uncertain significance (1 of 4 stars; one submission).

Conditions:
Inborn genetic diseases. Identifiers: MedGen C0950123, MeSH D030342.

Submission:

Ambry Genetics
Classification: Uncertain significance for Inborn genetic diseases. Last evaluated: 2024-06-29. Review status: criteria provided, single submitter. Criteria: Ambry Variant Classification Scheme 2023. Collection method: clinical testing. Allele origin: germline.
Comment: The p.G394D variant (also known as c.1181G>A), located in coding exon 5 of the ATR gene, results from a G to A substitution at nucleotide position 1181. The glycine at codon 394 is replaced by aspartic acid, an amino acid with similar properties. This amino acid position is conserved. In addition, this alteration is predicted to be tolerated by in silico analysis. Based on the available evidence, the clinical significance of this variant remains unclear.

NM_001184.4(ATR):c.1181G>A (p.Gly394Asp)

Gene: ATR (ATR serine/threonine kinase; minus strand). Cytogenetic location: 3q23.
Variant type: single nucleotide variant.
Coding change: c.1181G>A on transcript NM_001184.4 (MANE Select); coding-DNA position 1181, G replaced by A.
Protein change: p.Gly394Asp; replaces glycine 394 with aspartic acid.
Molecular consequence: missense variant.
Genome position (GRCh38, 1-based): chr3:142,561,411, C>T on the plus strand (G>A on the coding strand, the complement: ATR is on the minus strand). VCF-style: chr3-142561411-C-T. GRCh37 (hg19) VCF-style: chr3-142280253-C-T.
Other names: c.1181G>A, p.Gly394Asp (NM_001354579.2); short protein forms G394D.
Identifiers: ClinVar variation 3462323 (VCV003462323.1).